The following is an entry in ClinVar:

ClinVar aggregate classification (germline): Uncertain significance. Review status: criteria provided, multiple submitters, no conflicts (2 of 4 stars). 3 submissions from 3 submitters: Uncertain significance (3). Last evaluated 2025-09-18.

Conditions:
Hereditary cancer-predisposing syndrome. Also called: Tumor predisposition; Neoplastic Syndromes, Hereditary; Hereditary neoplastic syndrome; Hereditary Cancer Syndrome. Identifiers: Orphanet 140162, MedGen C0027672, MeSH D009386, MONDO:0015356.
Neuroblastoma, susceptibility to, 3. Also called: ALK-Related Neuroblastic Tumor Susceptibility. Identifiers: Orphanet 635, MedGen C2751681, MONDO:0013083, OMIM 613014.

Allele frequency attached by ClinVar (database versions not stated): gnomAD exomes 0.00001.
gnomAD v4.1: 6 of 1,602,358 alleles (0.00037%); highest among the groups gnomAD compares: Non-Finnish European, 0.00051%; no homozygotes.

Submissions (3):

Ambry Genetics
Classification: Uncertain significance for Hereditary cancer-predisposing syndrome. Last evaluated: 2025-09-18. Review status: criteria provided, single submitter. Criteria: Ambry Variant Classification Scheme 2023. Collection method: clinical testing. Allele origin: germline.
Comment: The p.A892T variant (also known as c.2674G>A), located in coding exon 16 of the ALK gene, results from a G to A substitution at nucleotide position 2674. The alanine at codon 892 is replaced by threonine, an amino acid with similar properties. This amino acid position is conserved. In addition, this alteration is predicted to be tolerated by in silico analysis. Based on the available evidence, the clinical significance of this variant remains unclear.

GeneDx
Classification: Uncertain significance. Last evaluated: 2024-01-09. Review status: criteria provided, single submitter. Criteria: GeneDx Variant Classification Process June 2021. Collection method: clinical testing. Allele origin: germline. Affected: yes.
Comment: Not observed at significant frequency in large population cohorts (gnomAD); In silico analysis supports that this missense variant does not alter protein structure/function; Has not been previously published as pathogenic or benign to our knowledge

Labcorp Genetics (formerly Invitae), Labcorp
Classification: Uncertain significance for Neuroblastoma, susceptibility to, 3. Last evaluated: 2022-09-08. Review status: criteria provided, single submitter. Criteria: Invitae Variant Classification Sherloc (09022015). Collection method: clinical testing. Allele origin: germline.
Comment: In summary, the available evidence is currently insufficient to determine the role of this variant in disease. Therefore, it has been classified as a Variant of Uncertain Significance. Algorithms developed to predict the effect of sequence changes on RNA splicing suggest that this variant may create or strengthen a splice site. Algorithms developed to predict the effect of missense changes on protein structure and function (SIFT, PolyPhen-2, Align-GVGD) all suggest that this variant is likely to be tolerated. This variant has not been reported in the literature in individuals affected with ALK-related conditions. This variant is present in population databases (no rsID available, gnomAD 0.0009%). This sequence change replaces alanine, which is neutral and non-polar, with threonine, which is neutral and polar, at codon 892 of the ALK protein (p.Ala892Thr).

NM_004304.5(ALK):c.2674G>A (p.Ala892Thr)

Gene: ALK (ALK receptor tyrosine kinase; minus strand). Cytogenetic location: 2p23.2.
Variant type: single nucleotide variant.
Coding change: c.2674G>A on transcript NM_004304.5 (MANE Select); coding-DNA position 2674, G replaced by A.
Protein change: p.Ala892Thr; replaces alanine 892 with threonine.
Molecular consequence: missense variant.
Genome position (GRCh38, 1-based): chr2:29,229,025, C>T on the plus strand (G>A on the coding strand, the complement: ALK is on the minus strand). VCF-style: chr2-29229025-C-T. GRCh37 (hg19) VCF-style: chr2-29451891-C-T.
Other names: c.2674G>A (NM_004304.4); short protein forms A892T.
Identifiers: ClinVar variation 1904053 (VCV001904053.7), dbSNP rs1381440856, ClinGen allele CA346469979.